The following is an entry in ClinVar:

ClinVar aggregate classification (germline): Uncertain significance. Review status: criteria provided, multiple submitters, no conflicts (2 of 4 stars). 7 submissions from 7 submitters: Uncertain significance (7). Last evaluated 2025-05-19.

Conditions:
Ehlers-Danlos syndrome, type 4 (EDSVASC). Also called: Ehlers-Danlos syndrome vascular type; Ehlers Danlos syndrome, ecchymotic type; Ehlers Danlos syndrome, arterial type; Ehlers Danlos syndrome, Sack-Barabas type; Ehlers-Danlos Syndrome Type IV. Identifiers: Orphanet 286, MedGen C0268338, MONDO:0017314, OMIM 130050.
Polymicrogyria with or without vascular-type Ehlers-Danlos syndrome. Identifiers: Orphanet 636941, MedGen C5193040, MONDO:0032688, OMIM 618343.
Familial thoracic aortic aneurysm and aortic dissection (TAAD). Also called: Thoracic aortic aneurysms and dissections. Identifiers: Orphanet 91387, MedGen C4707243, MONDO:0019625.

Allele frequency attached by ClinVar (database versions not stated): gnomAD exomes 0.00001 and 0.00002; TOPMed 0.00001; ExAC 0.00002.
gnomAD v4.1: 22 of 1,613,966 alleles (0.0014%); highest among the groups gnomAD compares: East Asian, 0.0022%; no homozygotes.

Submissions (7):

Women's Health and Genetics/Laboratory Corporation of America, LabCorp
Classification: Uncertain significance. Last evaluated: 2025-05-19. Review status: criteria provided, single submitter. Criteria: LabCorp Variant Classification Summary - May 2015. Collection method: clinical testing. Allele origin: germline.
Comment: Variant summary: COL3A1 c.923G>A (p.Arg308Gln) results in a conservative amino acid change in the encoded protein sequence. Algorithms developed to predict the effect of missense changes on protein structure and function are either unavailable or do not agree on the potential impact of this missense change. The variant allele was found at a frequency of 1.6e-05 in 251322 control chromosomes (gnomAD). The available data on variant occurrences in the general population are insufficient to allow any conclusion about variant significance. c.923G>A has been observed in one individual affected with Spontaneous coronary artery dissection (Wang_2022). The report does not provide unequivocal conclusions about association of the variant with Aortopathy. To our knowledge, no experimental evidence demonstrating an impact on protein function has been reported. The following publication have been ascertained in the context of this evaluation (PMID: 36103205). ClinVar contains an entry for this variant (Variation ID: 925744). Based on the evidence outlined above, the variant was classified as uncertain significance.

Labcorp Genetics (formerly Invitae), Labcorp
Classification: Uncertain significance for Ehlers-Danlos syndrome, type 4. Last evaluated: 2025-05-01. Review status: criteria provided, single submitter. Criteria: Invitae Variant Classification Sherloc (09022015). Collection method: clinical testing. Allele origin: germline.
Comment: This sequence change replaces arginine, which is basic and polar, with glutamine, which is neutral and polar, at codon 308 of the COL3A1 protein (p.Arg308Gln). This variant is present in population databases (rs753589858, gnomAD 0.004%). This missense change has been observed in individual(s) with COL3A1-related conditions (PMID: 36103205). ClinVar contains an entry for this variant (Variation ID: 925744). Invitae Evidence Modeling of protein sequence and biophysical properties (such as structural, functional, and spatial information, amino acid conservation, physicochemical variation, residue mobility, and thermodynamic stability) indicates that this missense variant is not expected to disrupt COL3A1 protein function with a negative predictive value of 95%. In summary, the available evidence is currently insufficient to determine the role of this variant in disease. Therefore, it has been classified as a Variant of Uncertain Significance.

Color Diagnostics, LLC DBA Color Health
Classification: Uncertain significance for Familial thoracic aortic aneurysm and aortic dissection. Last evaluated: 2025-03-03. Review status: criteria provided, single submitter. Criteria: ACMG Guidelines, 2015. Collection method: clinical testing. Allele origin: germline.
Comment: This missense variant replaces arginine with glutamine at codon 308 of the COL3A1 protein. Computational prediction tool is inconclusive regarding the impact of this variant on protein structure and function. To our knowledge, functional studies have not been reported for this variant. This variant has been reported in an individual affected with thoracic aortic aneurysm and dissection (PMID: 39511342) and in an individual affected with spontaneous coronary artery dissection (PMID: 36103205). This variant has been identified in 4/251322 chromosomes in the general population by the Genome Aggregation Database (gnomAD). The available evidence is insufficient to determine the role of this variant in disease conclusively. Therefore, this variant is classified as a Variant of Uncertain Significance.

All of Us Research Program, National Institutes of Health
Classification: Uncertain significance for Ehlers-Danlos syndrome, type 4. Last evaluated: 2023-10-27. Review status: criteria provided, single submitter. Criteria: ACMG Guidelines, 2015. Collection method: clinical testing. Allele origin: germline. Inheritance: Autosomal dominant inheritance. Observed: 5 variant alleles, 5 heterozygotes.
Comment: This missense variant replaces arginine with glutamine at codon 308 of the COL3A1 protein. Computational prediction is inconclusive regarding the impact of this variant on protein structure and function (internally defined REVEL score threshold 0.5 < inconclusive < 0.7, PMID: 27666373). To our knowledge, functional studies have not been reported for this variant. This variant has been reported in an individual affected with spontaneous coronary artery dissection (PMID: 36103205). This variant has been identified in 4/251322 chromosomes in the general population by the Genome Aggregation Database (gnomAD). The available evidence is insufficient to determine the role of this variant in disease conclusively. Therefore, this variant is classified as a Variant of Uncertain Significance.

This study involves interpretation of variants in research participants for the purpose of population health screening. Participant phenotype was not available at the time of variant classification. Additional details can be found in publication PMID: 35346344, PMCID: PMC8962531

Fulgent Genetics
Classification: Uncertain significance for Ehlers-Danlos syndrome, type 4; Polymicrogyria with or without vascular-type Ehlers-Danlos syndrome. Last evaluated: 2022-03-01. Review status: criteria provided, single submitter. Criteria: ACMG Guidelines, 2015. Collection method: clinical testing. Allele origin: unknown.

GeneDx
Classification: Uncertain significance. Last evaluated: 2019-01-24. Review status: criteria provided, single submitter. Criteria: GeneDx Variant Classification Process June 2021. Collection method: clinical testing. Allele origin: germline. Affected: yes.
Comment: Has not been previously published as pathogenic or benign to our knowledge; Not observed at a significant frequency in large population cohorts (Lek et al., 2016); In silico analysis, which includes protein predictors and evolutionary conservation, supports a deleterious effect; Occurs in the triple helical domain at the Y position in the canonical Gly-X-Y repeat. Although this variant may have an effect on normal protein folding and function, missense substitution at the Y position is not a common mechanism of disease (Stenson et al., 2014)

Ambry Genetics
Classification: Uncertain significance for Familial thoracic aortic aneurysm and aortic dissection. Last evaluated: 2018-02-20. Review status: criteria provided, single submitter. Criteria: Ambry Variant Classification Scheme 2023. Collection method: clinical testing. Allele origin: germline.
Comment: The p.R308Q variant (also known as c.923G>A), located in coding exon 13 of the COL3A1 gene, results from a G to A substitution at nucleotide position 923. The arginine at codon 308 is replaced by glutamine, an amino acid with highly similar properties. This amino acid position is highly conserved in available vertebrate species. In addition, the in silico prediction for this alteration is inconclusive. Since supporting evidence is limited at this time, the clinical significance of this alteration remains unclear.

Literature cited by the submitters: PubMed 36103205 (cited by 4 submitters); PubMed 39511342 (cited by Color Diagnostics, LLC DBA Color Health).

NM_000090.4(COL3A1):c.923G>A (p.Arg308Gln)

Gene: COL3A1 (collagen type III alpha 1 chain; plus strand). Cytogenetic location: 2q32.2.
Variant type: single nucleotide variant.
Coding change: c.923G>A on transcript NM_000090.4 (MANE Select); coding-DNA position 923, G replaced by A.
Protein change: p.Arg308Gln; replaces arginine 308 with glutamine.
Molecular consequence: missense variant.
Genome position (GRCh38, 1-based): chr2:188,991,694, G>A. VCF-style: chr2-188991694-G-A. GRCh37 (hg19) VCF-style: chr2-189856420-G-A.
Other names: short protein forms R308Q.
Identifiers: ClinVar variation 925744 (VCV000925744.14), dbSNP rs753589858, ClinGen allele CA077076.